The following is an entry in ClinVar:

ClinVar aggregate classification (germline): Benign/Likely benign. Review status: criteria provided, multiple submitters, no conflicts (2 of 4 stars). 3 submissions from 3 submitters: Benign (1); Likely benign (2). Last evaluated 2025-05-27.

Conditions:
Birt-Hogg-Dube syndrome 1 (BHD1). Also called: FIBROFOLLICULOMAS WITH TRICHODISCOMAS AND ACROCHORDONS. Identifiers: Orphanet 122, MedGen CN375946, MONDO:0800445, OMIM 135150.
Hereditary cancer-predisposing syndrome. Also called: Hereditary Cancer Syndrome; Tumor predisposition; Neoplastic Syndromes, Hereditary; Hereditary neoplastic syndrome. Identifiers: Orphanet 140162, MedGen C0027672, MeSH D009386, MONDO:0015356.
Birt-Hogg-Dube syndrome. Also called: Birt Hogg Dubé syndrome. Identifiers: Orphanet 122, MedGen C0346010, MONDO:0800444.

Allele frequency attached by ClinVar (database versions not stated): gnomAD exomes below 0.00001.
gnomAD v4.1: 1 of 1,614,266 alleles (0.000062%); highest among the groups gnomAD compares: Non-Finnish European, 0.000085%; no homozygotes.

Submissions (3):

Labcorp Genetics (formerly Invitae), Labcorp
Classification: Likely benign for Birt-Hogg-Dube syndrome. Last evaluated: 2025-05-27. Review status: criteria provided, single submitter. Criteria: Invitae Variant Classification Sherloc (09022015). Collection method: clinical testing. Allele origin: germline.

Myriad Genetics, Inc.
Classification: Benign for Birt-Hogg-Dube syndrome 1. Last evaluated: 2024-10-23. Review status: criteria provided, single submitter. Criteria: Myriad Autosomal Dominant, Autosomal Recessive and X-Linked Classification Criteria (2023). Collection method: clinical testing. Allele origin: unknown.
Comment: This variant is considered benign. This variant is a silent/synonymous amino acid change and it is not expected to impact splicing.

Ambry Genetics
Classification: Likely benign for Hereditary cancer-predisposing syndrome. Last evaluated: 2023-11-11. Review status: criteria provided, single submitter. Criteria: Ambry Variant Classification Scheme 2023. Collection method: clinical testing. Allele origin: germline.

NM_144997.7(FLCN):c.750G>C (p.Leu250=)

Gene: FLCN (folliculin; minus strand). Cytogenetic location: 17p11.2.
Variant type: single nucleotide variant.
Coding change: c.750G>C on transcript NM_144997.7 (MANE Select); coding-DNA position 750, G replaced by C.
Protein change: p.Leu250=; no amino-acid change (leucine 250 retained).
Molecular consequence: synonymous variant.
Genome position (GRCh38, 1-based): chr17:17,222,530, C>G on the plus strand (G>C on the coding strand, the complement: FLCN is on the minus strand). VCF-style: chr17-17222530-C-G. GRCh37 (hg19) VCF-style: chr17-17125844-C-G.
Other names: c.804G>C, p.Leu268= (NM_001353229.2); c.750G>C, p.Leu250= (NM_001353230.2, NM_001353231.2, NM_144606.7).
Identifiers: ClinVar variation 3229259 (VCV003229259.3), dbSNP rs2544232392, ClinGen allele CA498164248.